The following is an entry in ClinVar:

ClinVar aggregate classification (germline): Uncertain significance (1 of 4 stars; one submission).

Submission:

Labcorp Genetics (formerly Invitae), Labcorp
Classification: Uncertain significance. Last evaluated: 2023-08-14. Review status: criteria provided, single submitter. Criteria: Invitae Variant Classification Sherloc (09022015). Collection method: clinical testing. Allele origin: germline.
Comment: In summary, the available evidence is currently insufficient to determine the role of this variant in disease. Therefore, it has been classified as a Variant of Uncertain Significance. An algorithm developed to predict the effect of missense changes on protein structure and function (PolyPhen-2) suggests that this variant is likely to be tolerated. This variant has not been reported in the literature in individuals affected with PSMB4-related conditions. This variant is not present in population databases (gnomAD no frequency). This sequence change replaces aspartic acid, which is acidic and polar, with asparagine, which is neutral and polar, at codon 162 of the PSMB4 protein (p.Asp162Asn).

NM_002796.3(PSMB4):c.484G>A (p.Asp162Asn)

Gene: PSMB4 (proteasome 20S subunit beta 4; plus strand). Cytogenetic location: 1q21.3.
Variant type: single nucleotide variant.
Coding change: c.484G>A on transcript NM_002796.3 (MANE Select); coding-DNA position 484, G replaced by A.
Protein change: p.Asp162Asn; replaces aspartic acid 162 with asparagine.
Molecular consequence: missense variant.
Genome position (GRCh38, 1-based): chr1:151,400,578, G>A. VCF-style: chr1-151400578-G-A. GRCh37 (hg19) VCF-style: chr1-151373054-G-A.
Other names: short protein forms D162N.
Identifiers: ClinVar variation 2752436 (VCV002752436.3), dbSNP rs2529157867, ClinGen allele CA341924758.